The following is an entry in ClinVar:

NM_033118.4(MYLK2):c.1016A>G (p.His339Arg)

Gene: MYLK2 (myosin light chain kinase 2; plus strand). Cytogenetic location: 20q11.21.
Variant type: single nucleotide variant.
Coding change: c.1016A>G on transcript NM_033118.4 (MANE Select); coding-DNA position 1016, A replaced by G.
Protein change: p.His339Arg; replaces histidine 339 with arginine.
Molecular consequence: missense variant.
Genome position (GRCh38, 1-based): chr20:31,826,648, A>G. VCF-style: chr20-31826648-A-G. GRCh37 (hg19) VCF-style: chr20-30414451-A-G.
Other names: short protein forms H339R.
Identifiers: ClinVar variation 46515 (VCV000046515.6), dbSNP rs397517471, ClinGen allele CA138501.

ClinVar aggregate classification (germline): Uncertain significance (1 of 4 stars; one submission).

Conditions:
Cardiomyopathy (CMYO). Also called: Cardiomyopathies. Identifiers: Orphanet 167848, MedGen C0878544, MONDO:0004994, HP:0001638. Inheritance: Various modes of inheritance.

Allele frequency attached by ClinVar (database versions not stated): gnomAD exomes below 0.00001.
gnomAD v4.1: 5 of 1,614,072 alleles (0.00031%); highest among the groups gnomAD compares: Non-Finnish European, 0.00042%; no homozygotes.

Submission:

Laboratory for Molecular Medicine, Mass General Brigham Personalized Medicine
Classification: Uncertain significance for Cardiomyopathy. Last evaluated: 2021-07-12. Review status: criteria provided, single submitter. Criteria: ACMG Guidelines, 2015. Collection method: clinical testing. Allele origin: germline.
Comment: The p.His339Arg variant in MYLK2 has not been previously reported in individuals with cardiomyopathy and was absent from large population studies. Computational prediction tools and conservation analyses do not provide strong support for or against an impact to the protein. In summary, the clinical significance of this variant is uncertain. ACMG/AMP Criteria applied: PM2_Supporting.